The following is an entry in ClinVar:

ClinVar aggregate classification (germline): Uncertain significance. Review status: criteria provided, multiple submitters, no conflicts (2 of 4 stars). 6 submissions from 6 submitters: Uncertain significance (5). 1 of the submissions does not count toward it. Last evaluated 2025-06-02.

Conditions:
Fanconi anemia (FA). Also called: Fanconi's anemia. Identifiers: Orphanet 84, MedGen C0015625, MeSH D005199, MONDO:0019391.
Fanconi anemia complementation group A (FANCA). Also called: FANCA-Related Fanconi Anemia; Fanconi anemia, group A. Identifiers: Orphanet 84, MedGen C3469521, MONDO:0009215, OMIM 227650.

Allele frequency attached by ClinVar (database versions not stated): ExAC 0.00001; gnomAD 0.00001; TOPMed 0.00001.
gnomAD v4.1: 29 of 1,613,850 alleles (0.0018%); highest among the groups gnomAD compares: Non-Finnish European, 0.002%; no homozygotes.

Submissions (6):

ARUP Laboratories, Molecular Genetics and Genomics, ARUP Laboratories
Classification: Uncertain significance for Fanconi anemia complementation group A. Last evaluated: 2025-06-02. Review status: criteria provided, single submitter. Criteria: ARUP Molecular Germline Variant Investigation Process 2024. Collection method: clinical testing. Allele origin: germline.
Comment: The FANCA c.2939C>T; p.Ala980Val variant (rs773070418), to our knowledge, is not reported in the medical literature but is reported in ClinVar (Variation ID: 526389). This variant is only observed on six alleles in the Genome Aggregation Database (v2.1.1), indicating it is not a common polymorphism. Computational analyses are uncertain whether this variant is neutral or deleterious (REVEL: 0.442). Due to limited information, the clinical significance of this variant is uncertain at this time.

Labcorp Genetics (formerly Invitae), Labcorp
Classification: Uncertain significance for Fanconi anemia. Last evaluated: 2024-04-05. Review status: criteria provided, single submitter. Criteria: Invitae Variant Classification Sherloc (09022015). Collection method: clinical testing. Allele origin: germline.
Comment: This sequence change replaces alanine, which is neutral and non-polar, with valine, which is neutral and non-polar, at codon 980 of the FANCA protein (p.Ala980Val). This variant is present in population databases (rs773070418, gnomAD 0.004%). This variant has not been reported in the literature in individuals affected with FANCA-related conditions. ClinVar contains an entry for this variant (Variation ID: 526389). Advanced modeling of protein sequence and biophysical properties (such as structural, functional, and spatial information, amino acid conservation, physicochemical variation, residue mobility, and thermodynamic stability) performed at Invitae indicates that this missense variant is expected to disrupt FANCA protein function with a positive predictive value of 80%. In summary, the available evidence is currently insufficient to determine the role of this variant in disease. Therefore, it has been classified as a Variant of Uncertain Significance.

Quest Diagnostics Nichols Institute San Juan Capistrano
Classification: Uncertain significance. Last evaluated: 2023-01-17. Review status: criteria provided, single submitter. Criteria: Quest Diagnostics criteria. Collection method: clinical testing. Allele origin: unknown.
Comment: The variant has not been reported in individuals with FANCA-related conditions in the published literature. The frequency of this variant in the general population, 0.000035 (4/113712 chromosomes), is uninformative in assessment of its pathogenicity. Analysis of this variant using bioinformatics tools for the prediction of the effect of amino acid changes on protein structure and function yielded conflicting predictions that this variant is benign or damaging. Based on the available information, we are unable to determine the clinical significance of this variant.

GeneDx
Classification: Uncertain significance. Last evaluated: 2022-01-25. Review status: criteria provided, single submitter. Criteria: GeneDx Variant Classification Process June 2021. Collection method: clinical testing. Allele origin: germline. Affected: yes.
Comment: In silico analysis supports that this missense variant does not alter protein structure/function; Has not been previously published as pathogenic or benign to our knowledge

Fulgent Genetics
Classification: Uncertain significance for Fanconi anemia complementation group A. Last evaluated: 2021-07-23. Review status: criteria provided, single submitter. Criteria: ACMG Guidelines, 2015. Collection method: clinical testing. Allele origin: unknown.

Natera, Inc.
Classification: Uncertain significance for Fanconi anemia. Last evaluated: 2019-10-28. Review status: no assertion criteria provided. Collection method: clinical testing. Allele origin: germline. Not counted in ClinVar's aggregate classification.

NM_000135.4(FANCA):c.2939C>T (p.Ala980Val)

Gene: FANCA (FA complementation group A; minus strand). Cytogenetic location: 16q24.3.
Variant type: single nucleotide variant.
Coding change: c.2939C>T on transcript NM_000135.4 (MANE Select); coding-DNA position 2939, C replaced by T.
Protein change: p.Ala980Val; replaces alanine 980 with valine.
Molecular consequence: missense variant.
Genome position (GRCh38, 1-based): chr16:89,758,619, G>A on the plus strand (C>T on the coding strand, the complement: FANCA is on the minus strand). VCF-style: chr16-89758619-G-A. GRCh37 (hg19) VCF-style: chr16-89825027-G-A.
Other names: c.2939C>T (LRG_495t1); c.2939C>T, p.Ala980Val (NM_001286167.3); short protein forms A980V.
Identifiers: ClinVar variation 526389 (VCV000526389.13), dbSNP rs773070418, ClinGen allele CA8251431.
Genomic context (GRCh38, chr16:89,758,619, plus strand): 5'-ACAGTGTGTGCTGCTAACCTTTGGTGGAAATCCATCAGTGCGTTGACAAGAATGGTACAC[G>A]CAGCCTGCAGGTCTCCGTCACAGCCCCCTGAAGCCGAGGACTCAGGGAGAAAGTGCTCAT-3'
Protein context (NP_000126.2, residues 970-990): SGGCDGDLQA[Ala980Val]CTILVNALMD